The following is an entry in ClinVar:

NM_000352.6(ABCC8):c.4210_4212del (p.Ile1404del)

Gene: ABCC8 (ATP binding cassette subfamily C member 8; minus strand). Cytogenetic location: 11p15.1.
Variant type: Deletion.
Coding change: c.4210_4212del on transcript NM_000352.6 (MANE Select); coding-DNA positions 4210 to 4212, 3 bases deleted (ATT; older notation c.4210_4212delATT).
Protein change: p.Ile1404del; deletes isoleucine 1404.
Molecular consequence: inframe deletion. On other transcripts: non-coding transcript variant (1).
Genome position (GRCh38, 1-based): chr11:17,395,705-17,395,707, AAT deleted on the plus strand (ATT on the coding strand, the reverse complement: ABCC8 is on the minus strand). VCF-style (leftmost placement, unchanged base first): chr11-17395704-CAAT-C. GRCh37 (hg19) VCF-style: chr11-17417251-CAAT-C.
Other names: c.4213_4215del, p.Ile1405del (NM_001287174.3); c.4276_4278del, p.Ile1426del (NM_001351295.2); c.4210_4212del, p.Ile1404del (NM_001351296.2); c.4207_4209del, p.Ile1403del (NM_001351297.2); short protein forms I1426del, I1403del, I1404del, I1405del.
Identifiers: ClinVar variation 2137008 (VCV002137008.4), dbSNP rs2496451055, ClinGen allele CA2580082817.

ClinVar aggregate classification (germline): Uncertain significance (1 of 4 stars; one submission).

Submission:

Labcorp Genetics (formerly Invitae), Labcorp
Classification: Uncertain significance. Last evaluated: 2023-07-07. Review status: criteria provided, single submitter. Criteria: Invitae Variant Classification Sherloc (09022015). Collection method: clinical testing. Allele origin: germline.
Comment: This variant, c.4210_4212del, results in the deletion of 1 amino acid(s) of the ABCC8 protein (p.Ile1404del), but otherwise preserves the integrity of the reading frame. This variant is not present in population databases (gnomAD no frequency). This variant has been observed in individual(s) with autosomal recessive diffuse hyperinsulinism (PMID: 20685672, 32027066). This variant is also known as c.4213_4215delATT; p.Ile1405del. ClinVar contains an entry for this variant (Variation ID: 2137008). Experimental studies and prediction algorithms are not available or were not evaluated, and the functional significance of this variant is currently unknown. In summary, the available evidence is currently insufficient to determine the role of this variant in disease. Therefore, it has been classified as a Variant of Uncertain Significance.

Literature cited by the submitters: PubMed 20685672; PubMed 32027066.